The following is an entry in ClinVar:

ClinVar aggregate classification (germline): Uncertain significance (1 of 4 stars; one submission).

Allele frequency attached by ClinVar (database versions not stated): gnomAD 0.00001; gnomAD exomes 0.00001.
gnomAD v4.1: 11 of 1,551,028 alleles (0.00071%); highest among the groups gnomAD compares: Admixed American, 0.002%; no homozygotes.

Submission:

CeGaT Center for Human Genetics Tuebingen
Classification: Uncertain significance. Last evaluated: 2024-03-01. Review status: criteria provided, single submitter. Criteria: CeGaT Center For Human Genetics Tuebingen Variant Classification Criteria Version 2. Collection method: clinical testing. Allele origin: germline. Affected: yes. Observed: 1 variant allele.
Comment: SETD1B: PP2, BP4

NM_001353345.2(SETD1B):c.3709G>A (p.Glu1237Lys)

Gene: SETD1B (SET domain containing 1B, histone lysine methyltransferase; plus strand). Cytogenetic location: 12q24.31.
Variant type: single nucleotide variant.
Coding change: c.3709G>A on transcript NM_001353345.2 (MANE Select); coding-DNA position 3709, G replaced by A.
Protein change: p.Glu1237Lys; replaces glutamic acid 1237 with lysine.
Molecular consequence: missense variant.
Genome position (GRCh38, 1-based): chr12:121,819,694, G>A. VCF-style: chr12-121819694-G-A. GRCh37 (hg19) VCF-style: chr12-122257600-G-A.
Other names: short protein forms E1237K.
Identifiers: ClinVar variation 3067396 (VCV003067396.21), dbSNP rs1024820256, ClinGen allele CA244653506.